The following is an entry in ClinVar:

ClinVar aggregate classification (germline): Likely benign (0 of 4 stars; one submission).

Conditions:
ACTN4-related disorder. Also called: ACTN4-related condition.

Submission:

PreventionGenetics, part of Exact Sciences
Classification: Likely benign for ACTN4-related condition. Last evaluated: 2019-08-01. Review status: no assertion criteria provided. Collection method: clinical testing. Allele origin: germline.
Comment: This variant is classified as likely benign based on ACMG/AMP sequence variant interpretation guidelines (Richards et al. 2015 PMID: 25741868, with internal and published modifications).

NM_004924.6(ACTN4):c.2338-4G>C

Gene: ACTN4 (actinin alpha 4; plus strand). Cytogenetic location: 19q13.2.
Variant type: single nucleotide variant.
Coding change: c.2338-4G>C on transcript NM_004924.6 (MANE Select); 4 bases into the intron before coding-DNA position 2338, G replaced by C.
Molecular consequence: intron variant.
Genome position (GRCh38, 1-based): chr19:38,727,942, G>C. VCF-style: chr19-38727942-G-C. GRCh37 (hg19) VCF-style: chr19-39218582-G-C.
Other names: c.2338-4G>C (NM_001411143.1); c.2338-374G>C (NM_001322033.2).
Identifiers: ClinVar variation 3042703 (VCV003042703.2), dbSNP rs1310469129, ClinGen allele CA2576774140.
Genomic context (GRCh38, chr19:38,727,942, plus strand): 5'-CGATCCCTCATCCTGGTCTCCACGCCGCCCCTCCCGCACACCTGCCTTCGGATGGCCCCG[G>C]CAGGATCATGGCGGGGCGCTGGGGCCCGAGGAGTTCAAGGCCTGCCTCATCAGCCTGGGC-3'